The following is an entry in ClinVar:

NM_014915.3(ANKRD26):c.3488C>G (p.Thr1163Arg)

Gene: ANKRD26 (ankyrin repeat domain containing 26; minus strand). Cytogenetic location: 10p12.1.
Variant type: single nucleotide variant.
Coding change: c.3488C>G on transcript NM_014915.3 (MANE Select); coding-DNA position 3488, C replaced by G.
Protein change: p.Thr1163Arg; replaces threonine 1163 with arginine.
Molecular consequence: missense variant.
Genome position (GRCh38, 1-based): chr10:27,034,962, G>C on the plus strand (C>G on the coding strand, the complement: ANKRD26 is on the minus strand). VCF-style: chr10-27034962-G-C. GRCh37 (hg19) VCF-style: chr10-27323891-G-C.
Other names: c.3485C>G, p.Thr1162Arg (NM_001256053.2); short protein forms T1162R, T1163R.
Identifiers: ClinVar variation 3913706 (VCV003913706.1).

ClinVar aggregate classification (germline): Uncertain significance (1 of 4 stars; one submission).

Conditions:
Inborn genetic diseases. Identifiers: MedGen C0950123, MeSH D030342.

Submission:

Ambry Genetics
Classification: Uncertain significance for Inborn genetic diseases. Last evaluated: 2025-04-12. Review status: criteria provided, single submitter. Criteria: Ambry Variant Classification Scheme 2023. Collection method: clinical testing. Allele origin: germline.
Comment: The p.T1163R variant (also known as c.3488C>G), located in coding exon 24 of the ANKRD26 gene, results from a C to G substitution at nucleotide position 3488. The threonine at codon 1163 is replaced by arginine, an amino acid with similar properties. This amino acid position is conserved. In addition, this alteration is predicted to be tolerated by in silico analysis. Based on the available evidence, the clinical significance of this variant remains unclear.